The following is an entry in ClinVar:

ClinVar aggregate classification (germline): Likely benign. Review status: criteria provided, multiple submitters, no conflicts (2 of 4 stars). 3 submissions from 3 submitters: Likely benign (3). Last evaluated 2026-04-26.

Conditions:
Hereditary cancer-predisposing syndrome. Also called: Hereditary Cancer Syndrome; Tumor predisposition; Hereditary neoplastic syndrome; Neoplastic Syndromes, Hereditary. Identifiers: Orphanet 140162, MedGen C0027672, MeSH D009386, MONDO:0015356.
Hereditary breast ovarian cancer syndrome. Also called: Hereditary breast and ovarian cancer syndrome; Hereditary breast and/or ovarian cancer syndrome; Hereditary breast and ovarian cancer syndrome (HBOC); Hereditary breast and ovarian cancer; Breast and ovarian cancer; BRCA1- and BRCA2-Associated Hereditary Breast and Ovarian Cancer. Identifiers: Orphanet 145, MedGen C0677776, MeSH D061325, MONDO:0003582. Disease mechanism: loss of function.

Allele frequency attached by ClinVar (database versions not stated): gnomAD exomes below 0.00001.
gnomAD v4.1: 1 of 1,612,370 alleles (0.000062%); highest among the groups gnomAD compares: Non-Finnish European, 0.000085%; no homozygotes.

Submissions (3):

Ambry Genetics
Classification: Likely benign for Hereditary cancer-predisposing syndrome. Last evaluated: 2026-04-26. Review status: criteria provided, single submitter. Criteria: Ambry Variant Classification Scheme 2023. Collection method: clinical testing. Allele origin: germline.

Labcorp Genetics (formerly Invitae), Labcorp
Classification: Likely benign for Hereditary breast ovarian cancer syndrome. Last evaluated: 2024-10-28. Review status: criteria provided, single submitter. Criteria: Invitae Variant Classification Sherloc (09022015). Collection method: clinical testing. Allele origin: germline.

GeneDx
Classification: Likely benign. Last evaluated: 2015-11-03. Review status: criteria provided, single submitter. Criteria: GeneDx Variant Classification (06012015). Collection method: clinical testing. Allele origin: germline. Affected: yes.
Comment: This variant is considered likely benign or benign based on one or more of the following criteria: it is a conservative change, it occurs at a poorly conserved position in the protein, it is predicted to be benign by multiple in silico algorithms, and/or has population frequency not consistent with disease.

NM_000059.4(BRCA2):c.5637G>A (p.Glu1879=)

Gene: BRCA2 (BRCA2 DNA repair associated; plus strand). Cytogenetic location: 13q13.1.
Variant type: single nucleotide variant.
Coding change: c.5637G>A on transcript NM_000059.4 (MANE Select); coding-DNA position 5637, G replaced by A.
Protein change: p.Glu1879=; no amino-acid change (glutamic acid 1879 retained).
Molecular consequence: synonymous variant.
Genome position (GRCh38, 1-based): chr13:32,339,992, G>A. VCF-style: chr13-32339992-G-A. GRCh37 (hg19) VCF-style: chr13-32914129-G-A.
Identifiers: ClinVar variation 381469 (VCV000381469.5), dbSNP rs1057521044, ClinGen allele CA16607471.